The following is an entry in ClinVar:

NM_001379291.1(BRD4):c.3471C>T (p.Val1157=)

Gene: BRD4 (bromodomain containing 4; minus strand). Cytogenetic location: 19p13.12.
Variant type: single nucleotide variant.
Coding change: c.3471C>T on transcript NM_001379291.1 (MANE Select); coding-DNA position 3471, C replaced by T.
Protein change: p.Val1157=; no amino-acid change (valine 1157 retained).
Molecular consequence: synonymous variant.
Genome position (GRCh38, 1-based): chr19:15,239,497, G>A on the plus strand (C>T on the coding strand, the complement: BRD4 is on the minus strand). VCF-style: chr19-15239497-G-A. GRCh37 (hg19) VCF-style: chr19-15350308-G-A.
Other names: c.3471C>T, p.Val1157= (NM_058243.3).
Identifiers: ClinVar variation 3027318 (VCV003027318.22), dbSNP rs201012197, ClinGen allele CA9264630.

ClinVar aggregate classification (germline): Likely benign (1 of 4 stars; one submission).

Allele frequency attached by ClinVar (database versions not stated): TOPMed below 0.00001; gnomAD 0.00001; ExAC 0.00003; gnomAD exomes 0.00003.
gnomAD v4.1: 42 of 1,613,546 alleles (0.0026%); highest among the groups gnomAD compares: South Asian, 0.027%; no homozygotes.

Submission:

CeGaT Center for Human Genetics Tuebingen
Classification: Likely benign. Last evaluated: 2024-02-01. Review status: criteria provided, single submitter. Criteria: CeGaT Center For Human Genetics Tuebingen Variant Classification Criteria Version 2. Collection method: clinical testing. Allele origin: germline. Affected: yes. Observed: 1 variant allele.
Comment: BRD4: BP4, BP7